The following is an entry in ClinVar:

ClinVar aggregate classification (germline): Uncertain significance (1 of 4 stars; one submission).

Conditions:
Propionic acidemia (PROP). Also called: GLYCINEMIA, KETOTIC; HYPERGLYCINEMIA WITH KETOACIDOSIS AND LEUKOPENIA; KETOTIC HYPERGLYCINEMIA. Identifiers: Orphanet 35, MedGen C0268579, MONDO:0011628, OMIM 606054, HP:0003571.

gnomAD v4.1: 1 of 1,614,214 alleles (0.000062%); no homozygotes.

Submission:

Labcorp Genetics (formerly Invitae), Labcorp
Classification: Uncertain significance for Propionic acidemia. Last evaluated: 2021-09-24. Review status: criteria provided, single submitter. Criteria: Invitae Variant Classification Sherloc (09022015). Collection method: clinical testing. Allele origin: germline.
Comment: This sequence change replaces aspartic acid with histidine at codon 92 of the PCCB protein (p.Asp92His). The aspartic acid residue is highly conserved and there is a moderate physicochemical difference between aspartic acid and histidine. This variant is not present in population databases (ExAC no frequency). This variant has not been reported in the literature in individuals with PCCB-related conditions. Algorithms developed to predict the effect of missense changes on protein structure and function are either unavailable or do not agree on the potential impact of this missense change (SIFT: "Deleterious"; PolyPhen-2: "Benign"; Align-GVGD: "Class C65"). In summary, the available evidence is currently insufficient to determine the role of this variant in disease. Therefore, it has been classified as a Variant of Uncertain Significance.

NM_000532.5(PCCB):c.274G>C (p.Asp92His)

Gene: PCCB (propionyl-CoA carboxylase subunit beta; plus strand). Cytogenetic location: 3q22.3.
Variant type: single nucleotide variant.
Coding change: c.274G>C on transcript NM_000532.5 (MANE Select); coding-DNA position 274, G replaced by C.
Protein change: p.Asp92His; replaces aspartic acid 92 with histidine.
Molecular consequence: missense variant.
Genome position (GRCh38, 1-based): chr3:136,255,946, G>C. VCF-style: chr3-136255946-G-C. GRCh37 (hg19) VCF-style: chr3-135974788-G-C.
Other names: c.274G>C, p.Asp92His (NM_001178014.2); short protein forms D92H.
Identifiers: ClinVar variation 1505917 (VCV001505917.5), dbSNP rs2108137411, ClinGen allele CA354738554.